The following is an entry in ClinVar:

NM_007118.4(TRIO):c.83G>C (p.Cys28Ser)

Gene: TRIO (trio Rho guanine nucleotide exchange factor; plus strand). Cytogenetic location: 5p15.2.
Variant type: single nucleotide variant.
Coding change: c.83G>C on transcript NM_007118.4 (MANE Select); coding-DNA position 83, G replaced by C.
Protein change: p.Cys28Ser; replaces cysteine 28 with serine.
Molecular consequence: missense variant. On other transcripts: non-coding transcript variant (1).
Genome position (GRCh38, 1-based): chr5:14,143,808, G>C. VCF-style: chr5-14143808-G-C. GRCh37 (hg19) VCF-style: chr5-14143917-G-C.
Other names: short protein forms C28S.
Identifiers: ClinVar variation 4887292 (VCV004887292.1).
Genomic context (GRCh38, chr5:14,143,808, plus strand): 5'-CCGCCGCCCCCGCCGCGTCCTCCGGCCCCGCCGCGGCGGCCAGCGCGGCTGGCTCGGGCT[G>C]CGGGGGCGGTGCCGGCGAGGGGGCAGAGGAGGCGGCCAAGGACCTGGCCGACATCGCGGC-3'
Protein context (NP_009049.2, residues 18-38): AAAASAAGSG[Cys28Ser]GGGAGEGAEE

ClinVar aggregate classification (germline): Uncertain significance (1 of 4 stars; one submission).

gnomAD v4.1: 3 of 1,054,248 alleles (0.00028%); highest among the groups gnomAD compares: Admixed American, 0.017%; no homozygotes.

Submission:

Women's Health and Genetics/Laboratory Corporation of America, LabCorp
Classification: Uncertain significance. Last evaluated: 2026-06-12. Review status: criteria provided, single submitter. Criteria: LabCorp Variant Classification Summary - May 2015. Collection method: clinical testing. Allele origin: germline.
Comment: Variant summary: TRIO c.83G>C (p.Cys28Ser) results in a non-conservative amino acid change in the encoded protein sequence. Algorithms developed to predict the effect of missense changes on protein structure and function are either unavailable or do not agree on the potential impact of this missense change. The variant was absent in 25074 control chromosomes. The available data on variant occurrences in the general population are insufficient to allow any conclusion about variant significance. To our knowledge, no occurrence of c.83G>C in individuals affected with TRIO-related conditions and no experimental evidence demonstrating its impact on protein function have been reported. No submitters have cited clinical-significance assessments for this variant to ClinVar. Based on the evidence outlined above, the variant was classified as uncertain significance.